The following is an entry in ClinVar:

ClinVar aggregate classification (germline): Likely benign. Review status: criteria provided, multiple submitters, no conflicts (2 of 4 stars). 2 submissions from 2 submitters: Likely benign (2). Last evaluated 2025-07-31.

Conditions:
Familial hemiplegic migraine. Identifiers: MedGen C0338484, MONDO:0000700.

gnomAD v4.1: 5 of 1,614,076 alleles (0.00031%); highest among the groups gnomAD compares: African/African-American, 0.0053%; no homozygotes.

Submissions (2):

Mayo Clinic Laboratories, Mayo Clinic
Classification: Likely benign. Last evaluated: 2025-07-31. Review status: criteria provided, single submitter. Criteria: ACMG Guidelines, 2015. Collection method: clinical testing. Allele origin: germline. Observed: 1 variant allele.
Comment: BP4, BP7

Labcorp Genetics (formerly Invitae), Labcorp
Classification: Likely benign for Familial hemiplegic migraine. Last evaluated: 2023-11-27. Review status: criteria provided, single submitter. Criteria: Invitae Variant Classification Sherloc (09022015). Collection method: clinical testing. Allele origin: germline.

NM_000702.4(ATP1A2):c.1652-8C>A

Gene: ATP1A2 (ATPase Na+/K+ transporting subunit alpha 2; plus strand). Cytogenetic location: 1q23.2.
Variant type: single nucleotide variant.
Coding change: c.1652-8C>A on transcript NM_000702.4 (MANE Select); 8 bases into the intron before coding-DNA position 1652, C replaced by A.
Molecular consequence: intron variant.
Genome position (GRCh38, 1-based): chr1:160,130,414, C>A. VCF-style: chr1-160130414-C-A. GRCh37 (hg19) VCF-style: chr1-160100204-C-A.
Other names: p.?.
Identifiers: ClinVar variation 1555376 (VCV001555376.9), dbSNP rs370023134, ClinGen allele CA1194555.